The following is an entry in ClinVar:

NM_000038.6(APC):c.1549-13A>T

Gene: APC (APC regulator of Wnt signaling pathway; plus strand). Cytogenetic location: 5q22.2.
Variant type: single nucleotide variant.
Coding change: c.1549-13A>T on transcript NM_000038.6 (MANE Select); 13 bases into the intron before coding-DNA position 1549, A replaced by T.
Molecular consequence: intron variant.
Genome position (GRCh38, 1-based): chr5:112,827,916, A>T. VCF-style: chr5-112827916-A-T. GRCh37 (hg19) VCF-style: chr5-112163613-A-T.
Other names: c.1549-13A>T (NM_001354895.2, NM_001127510.3); c.1579-13A>T (NM_001354897.2); c.1276-13A>T (NM_001354902.2); c.1495-13A>T (NM_001127511.3); c.1474-13A>T (NM_001354898.2); c.1171-13A>T (NM_001354904.2); c.700-13A>T (NM_001354906.2); c.1603-13A>T (NM_001354896.2); and 5 more.
Identifiers: ClinVar variation 140764 (VCV000140764.17), dbSNP rs587781267, ClinGen allele CA005295.

ClinVar aggregate classification (germline): Benign. Review status: reviewed by expert panel (3 of 4 stars). 8 submissions from 8 submitters: Benign (1). 7 of the submissions do not count toward it. Last evaluated 2023-02-19.

Conditions:
Classic or attenuated familial adenomatous polyposis. Identifiers: MedGen CN372698, MONDO:0021057.
Hereditary cancer-predisposing syndrome. Also called: Neoplastic Syndromes, Hereditary; Tumor predisposition; Hereditary Cancer Syndrome; Hereditary neoplastic syndrome. Identifiers: Orphanet 140162, MedGen C0027672, MeSH D009386, MONDO:0015356.
Familial adenomatous polyposis 1 (FAP1). Also called: FAMILIAL ADENOMATOUS POLYPOSIS 1, ATTENUATED; POLYPOSIS, ADENOMATOUS INTESTINAL. Identifiers: MedGen C2713442, MONDO:0021056, OMIM 175100. Disease mechanism: loss of function.

Allele frequency attached by ClinVar (database versions not stated): gnomAD exomes 0.00002; TOPMed 0.00002; ExAC 0.00003; gnomAD 0.00004.
gnomAD v4.1: 39 of 1,610,170 alleles (0.0024%); highest among the groups gnomAD compares: Non-Finnish European, 0.003%; no homozygotes.

Submissions (8):

ClinGen InSiGHT Hereditary Colorectal Cancer/Polyposis Variant Curation Expert Panel
Classification: Benign for Familial adenomatous polyposis 1. Last evaluated: 2023-02-19. Review status: reviewed by expert panel. Criteria: ClinGen InSiGHT HCCP VCEP ACMG Specifications APC V1. Collection method: curation. Allele origin: germline. Inheritance: Autosomal dominant inheritance.
Comment: The c.1549-13A>T variant in APC is an intronic variant which is located 13 nucleotides upstream of exon 13. This variant has been observed in 10 individuals worth 10 healthy individual points (Ambry internal data). The highest population minor allele frequency in the non-cancer cohort of gnomAD v2.1.1 is 0.003915% in the non-Finnish European population, which is higher than the ClinGen APC VCEP threshold (0.001%) for BS1, and therefore meets this criterion (BS1). RT-PCR demonstrated no impact of the variant on splicing with evidence of biallelic expression (BS3, Ambry internal data). The results from more than 2 in silico splicing predictors (SpliceAI, MaxEntScan, VarSeak) support that this variant does not affect splicing (BP4). In summary, this variant is classified as Benign for autosomal dominant familial adenomatous polyposis as specified by the InSiGHT Hereditary Colorectal Cancer/Polyposis VCEP. Criteria applied: BS1, BS2, BS3, BP4 (Specification Version 1.0, date of approval: 10/12/2022).

Labcorp Genetics (formerly Invitae), Labcorp
Classification: Likely benign for Familial adenomatous polyposis 1. Last evaluated: 2026-01-24. Review status: criteria provided, single submitter. Criteria: Invitae Variant Classification Sherloc (09022015). Collection method: clinical testing. Allele origin: germline. Not counted in ClinVar's aggregate classification.

Myriad Genetics, Inc.
Classification: Likely benign for Familial adenomatous polyposis 1. Last evaluated: 2024-03-07. Review status: criteria provided, single submitter. Criteria: Myriad Autosomal Dominant, Autosomal Recessive and X-Linked Classification Criteria (2023). Collection method: clinical testing. Allele origin: unknown. Not counted in ClinVar's aggregate classification.
Comment: This variant is considered likely benign. This variant is intronic and is not expected to impact mRNA splicing.

All of Us Research Program, National Institutes of Health
Classification: Likely benign for Classic or attenuated familial adenomatous polyposis. Last evaluated: 2023-12-01. Review status: criteria provided, single submitter. Criteria: ACMG Guidelines, 2015. Collection method: clinical testing. Allele origin: germline. Inheritance: Autosomal dominant inheritance. Observed: 2 variant alleles, 2 heterozygotes. Not counted in ClinVar's aggregate classification.
Comment: This study involves interpretation of variants in research participants for the purpose of population health screening. Participant phenotype was not available at the time of variant classification. Additional details can be found in publication PMID: 35346344, PMCID: PMC8962531

GeneDx
Classification: Likely benign. Last evaluated: 2017-07-24. Review status: criteria provided, single submitter. Criteria: GeneDx Variant Classification (06012015). Collection method: clinical testing. Allele origin: germline. Affected: yes. Not counted in ClinVar's aggregate classification.
Comment: This variant is considered likely benign or benign based on one or more of the following criteria: it is a conservative change, it occurs at a poorly conserved position in the protein, it is predicted to be benign by multiple in silico algorithms, and/or has population frequency not consistent with disease.

Color Diagnostics, LLC DBA Color Health
Classification: Likely benign for Hereditary cancer-predisposing syndrome. Last evaluated: 2017-05-22. Review status: criteria provided, single submitter. Criteria: ACMG Guidelines, 2015. Collection method: clinical testing. Allele origin: germline. Not counted in ClinVar's aggregate classification.

Ambry Genetics
Classification: Likely benign for Hereditary cancer-predisposing syndrome. Last evaluated: 2015-10-06. Review status: criteria provided, single submitter. Criteria: Ambry Autosomal Dominant and X-Linked criteria (10/2015). Collection method: clinical testing. Allele origin: germline. Observed: 1 variant allele. Not counted in ClinVar's aggregate classification.
Comment: In silico models in agreement (benign);Other data supporting benign classification

Department of Pathology and Laboratory Medicine, Sinai Health System
Classification: Uncertain significance. Review status: no assertion criteria provided. Collection method: clinical testing. Allele origin: unknown. Affected: yes. Observed: 1 variant allele. Study: The Canadian Open Genetics Repository (COGR). Not counted in ClinVar's aggregate classification.